The following is an entry in ClinVar:

NM_005562.3(LAMC2):c.2747_2748del (p.Gly916fs)

Gene: LAMC2 (laminin subunit gamma 2; plus strand). Cytogenetic location: 1q25.3.
Variant type: Deletion.
Coding change: c.2747_2748del on transcript NM_005562.3 (MANE Select); coding-DNA positions 2747 to 2748, 2 bases deleted (GG; older notation c.2747_2748delGG).
Protein change: p.Gly916fs; shifts the reading frame from glycine 916.
Molecular consequence: frameshift variant.
Genome position (GRCh38, 1-based): chr1:183,237,497-183,237,498, GG deleted; deleting any 2 consecutive bases within chr1:183,237,496-183,237,498 gives the same sequence; the c. name uses the placement nearest the transcript's 3' end. VCF-style (leftmost placement, unchanged base first): chr1-183237495-TGG-T. GRCh37 (hg19) VCF-style: chr1-183206630-TGG-T.
Other names: c.2747_2748del, p.Gly916fs (NM_018891.3); short protein forms G916fs.
Identifiers: ClinVar variation 2760558 (VCV002760558.3), dbSNP rs2526118589, ClinGen allele CA2697554743.

ClinVar aggregate classification (germline): Pathogenic (1 of 4 stars; one submission).

Submission:

Labcorp Genetics (formerly Invitae), Labcorp
Classification: Pathogenic. Last evaluated: 2023-09-13. Review status: criteria provided, single submitter. Criteria: Invitae Variant Classification Sherloc (09022015). Collection method: clinical testing. Allele origin: germline.
Comment: This variant has not been reported in the literature in individuals affected with LAMC2-related conditions. This sequence change creates a premature translational stop signal (p.Gly916Glufs*15) in the LAMC2 gene. It is expected to result in an absent or disrupted protein product. Loss-of-function variants in LAMC2 are known to be pathogenic (PMID: 11907499, 16473856). This variant is not present in population databases (gnomAD no frequency). Algorithms developed to predict the effect of sequence changes on RNA splicing suggest that this variant may create or strengthen a splice site. For these reasons, this variant has been classified as Pathogenic.

Literature cited by the submitters: PubMed 11907499; PubMed 16473856.